The following is an entry in ClinVar:

ClinVar aggregate classification (germline): Uncertain significance (1 of 4 stars; one submission).

Allele frequency attached by ClinVar (database versions not stated): gnomAD exomes below 0.00001; TOPMed below 0.00001.
gnomAD v4.1: 1 of 1,613,418 alleles (0.000062%); highest among the groups gnomAD compares: Non-Finnish European, 0.000085%; no homozygotes.

Submission:

CeGaT Center for Human Genetics Tuebingen
Classification: Uncertain significance. Last evaluated: 2026-04-01. Review status: criteria provided, single submitter. Criteria: CeGaT Center For Human Genetics Tuebingen Variant Classification Criteria Version 2. Collection method: clinical testing. Allele origin: germline. Affected: yes. Observed: 1 variant allele.
Comment: TTN: PM2

NM_001267550.2(TTN):c.71075A>G (p.Asn23692Ser)

Genes: TTN (titin; minus strand), TTN-AS1 (TTN antisense RNA 1; plus strand). Cytogenetic location: 2q31.2.
Variant type: single nucleotide variant.
Coding change: c.71075A>G on transcript NM_001267550.2 (MANE Select); coding-DNA position 71075, A replaced by G.
Protein change: p.Asn23692Ser; replaces asparagine 23692 with serine.
Molecular consequence: missense variant.
Genome position (GRCh38, 1-based): chr2:178,575,057, T>C on the plus strand (A>G on the coding strand, the complement: TTN is on the minus strand). VCF-style: chr2-178575057-T-C. GRCh37 (hg19) VCF-style: chr2-179439784-T-C.
Other names: c.66152A>G, p.Asn22051Ser (NM_001256850.1); c.43880A>G, p.Asn14627Ser (NM_003319.4); c.63371A>G, p.Asn21124Ser (NM_133378.4); c.44255A>G, p.Asn14752Ser (NM_133432.3); c.44456A>G, p.Asn14819Ser (NM_133437.4); short protein forms N23692S, N14819S, N21124S, N22051S, N14627S, N14752S.
Identifiers: ClinVar variation 808954 (VCV000808954.42), dbSNP rs1575796679, ClinGen allele CA349659499.